The following is an entry in ClinVar:

NM_001394998.1(TANC2):c.4967A>G (p.Gln1656Arg)

Gene: TANC2 (tetratricopeptide repeat, ankyrin repeat and coiled-coil containing 2; plus strand). Cytogenetic location: 17q23.3.
Variant type: single nucleotide variant.
Coding change: c.4967A>G on transcript NM_001394998.1 (MANE Select); coding-DNA position 4967, A replaced by G.
Protein change: p.Gln1656Arg; replaces glutamine 1656 with arginine.
Molecular consequence: missense variant.
Genome position (GRCh38, 1-based): chr17:63,420,697, A>G. VCF-style: chr17-63420697-A-G. GRCh37 (hg19) VCF-style: chr17-61498058-A-G.
Other names: c.4745A>G, p.Gln1582Arg (NM_001411076.1); c.4715A>G, p.Gln1572Arg (NM_025185.4); short protein forms Q1572R, Q1582R, Q1656R.
Identifiers: ClinVar variation 3027128 (VCV003027128.22), dbSNP rs2510598012, ClinGen allele CA400543300.
Genomic context (GRCh38, chr17:63,420,697, plus strand): 5'-GTGTCTATAGATCCCAGTCTGGTTCACCCGTGCGCTATCAGCAGGAAACAAGCGTCAGTC[A>G]GCTTCCTGGCAGACCCAAATCTCCATTATCCAAAATGGCCCAGCGGCCCTACCAGATGCC-3'
Protein context (NP_001381927.1, residues 1646-1666): VRYQQETSVS[Gln1656Arg]LPGRPKSPLS

ClinVar aggregate classification (germline): Uncertain significance (1 of 4 stars; one submission).

Allele frequency attached by ClinVar (database versions not stated): gnomAD exomes below 0.00001.
gnomAD v4.1: 1 of 1,613,910 alleles (0.000062%); highest among the groups gnomAD compares: Non-Finnish European, 0.000085%; no homozygotes.

Submission:

CeGaT Center for Human Genetics Tuebingen
Classification: Uncertain significance. Last evaluated: 2024-02-01. Review status: criteria provided, single submitter. Criteria: CeGaT Center For Human Genetics Tuebingen Variant Classification Criteria Version 2. Collection method: clinical testing. Allele origin: germline. Affected: yes. Observed: 1 variant allele.
Comment: TANC2: PM2, BP4